The following is an entry in ClinVar:

ClinVar aggregate classification (germline): Benign (3 of 4 stars; one submission).

Conditions:
Breast-ovarian cancer, familial, susceptibility to, 1 (BROVCA1). Also called: BRCA1 Hereditary Breast and Ovarian Cancer; OVARIAN CANCER, SUSCEPTIBILITY TO. Identifiers: Orphanet 145, MedGen C2676676, MONDO:0011450, OMIM 604370. Disease mechanism: loss of function.

Allele frequency attached by ClinVar (database versions not stated): gnomAD 0.00013 and 0.00030; TOPMed 0.00042; 1000 Genomes Project 30x 0.00203; 1000 Genomes Project 0.00220.
gnomAD v4.1: 45 of 152,312 alleles (0.03%); highest among the groups gnomAD compares: East Asian, 0.73%; no homozygotes.

Submission:

Evidence-based Network for the Interpretation of Germline Mutant Alleles (ENIGMA)
Classification: Benign for Breast-ovarian cancer, familial, susceptibility to, 1. Last evaluated: 2016-09-28. Review status: reviewed by expert panel. Criteria: ENIGMA BRCA1/2 Classification Criteria (2015). Collection method: curation. Allele origin: germline.
Comment: Class 1 not pathogenic based on frequency >1% in an outbred sampleset. Frequency 0.0109 (East Asian), derived from 1000 genomes (2013-05-02).

NM_007294.4(BRCA1):c.4357+2313T>G

Gene: BRCA1 (BRCA1 DNA repair associated; minus strand). Cytogenetic location: 17q21.31.
Variant type: single nucleotide variant.
Coding change: c.4357+2313T>G on transcript NM_007294.4 (MANE Select); 2313 bases into the intron after coding-DNA position 4357, T replaced by G.
Molecular consequence: intron variant.
Genome position (GRCh38, 1-based): chr17:43,080,091, A>C on the plus strand (T>G on the coding strand, the complement: BRCA1 is on the minus strand). VCF-style: chr17-43080091-A-C. GRCh37 (hg19) VCF-style: chr17-41232108-A-C.
Other names: c.907+2313T>G (NM_001408458.1, NM_001408453.1, NM_001408461.1 and 7 more transcripts); c.3469+2313T>G (NM_001407967.1, NM_001407966.1); c.3976+2313T>G (NM_001407959.1, NM_001407960.1); c.4090+2313T>G (NM_001407931.1, NM_001407932.1, NM_001407935.1 and 3 more transcripts); c.4213+2313T>G (NM_001407747.1, NM_001407839.1, NM_001407745.1 and 23 more transcripts); c.3973+2313T>G (NM_001407962.1, NM_001407963.1); c.544+2313T>G (NM_001408512.1); c.667+2313T>G (NM_001408510.1); and 60 more.
Identifiers: ClinVar variation 264782 (VCV000264782.2), dbSNP rs149328571, ClinGen allele CA10588215.
Genomic context (GRCh38, chr17:43,080,091, plus strand): 5'-GACATGATGATCTACTTGCTGGCTGGTTTAGGAAAGTCTAAATGCAGAGATCCAGAGTCC[A>C]AGTTTCAGAATATTATTGTAGTTCCTCTTAAATCATTCCCTCATCTAGATGTCTTAACAT-3'